The following is an entry in ClinVar:

ClinVar aggregate classification (germline): Uncertain significance (1 of 4 stars; one submission).

Conditions:
Inborn genetic diseases. Identifiers: MedGen C0950123, MeSH D030342.

gnomAD v4.1: 1 of 1,614,000 alleles (0.000062%); highest among the groups gnomAD compares: Non-Finnish European, 0.000085%; no homozygotes.

Submission:

Ambry Genetics
Classification: Uncertain significance for Inborn genetic diseases. Last evaluated: 2025-07-29. Review status: criteria provided, single submitter. Criteria: Ambry Variant Classification Scheme 2023. Collection method: clinical testing. Allele origin: germline.
Comment: The p.M267K variant (also known as c.800T>A), located in coding exon 1 of the SAMD9 gene, results from a T to A substitution at nucleotide position 800. The methionine at codon 267 is replaced by lysine, an amino acid with similar properties. This amino acid position is conserved. In addition, this alteration is predicted to be tolerated by in silico analysis. Based on the available evidence, the clinical significance of this variant remains unclear.

NM_017654.4(SAMD9):c.800T>A (p.Met267Lys)

Gene: SAMD9 (sterile alpha motif domain containing 9; minus strand). Cytogenetic location: 7q21.2.
Variant type: single nucleotide variant.
Coding change: c.800T>A on transcript NM_017654.4 (MANE Select); coding-DNA position 800, T replaced by A.
Protein change: p.Met267Lys; replaces methionine 267 with lysine.
Molecular consequence: missense variant.
Genome position (GRCh38, 1-based): chr7:93,105,298, A>T on the plus strand (T>A on the coding strand, the complement: SAMD9 is on the minus strand). VCF-style: chr7-93105298-A-T. GRCh37 (hg19) VCF-style: chr7-92734611-A-T.
Other names: c.800T>A, p.Met267Lys (NM_001193307.2); short protein forms M267K.
Identifiers: ClinVar variation 4159112 (VCV004159112.1).
Genomic context (GRCh38, chr7:93,105,298, plus strand): 5'-GGCTCTCGAATGCACTTCTTTGCTTGTTGGACTTGATGGTCTTCAAAATACTTGTTTATC[A>T]TCAGATTGAAATGGTTAATGAGGGCTTCCTTGGTATCATTGGTGACTTTGATGCCAACAA-3'
Protein context (NP_060124.2, residues 257-277): KEALINHFNL[Met267Lys]INKYFEDHQV